The following is an entry in ClinVar:

ClinVar aggregate classification (germline): Uncertain significance (1 of 4 stars; one submission).

Submission:

Labcorp Genetics (formerly Invitae), Labcorp
Classification: Uncertain significance. Last evaluated: 2022-07-06. Review status: criteria provided, single submitter. Criteria: Invitae Variant Classification Sherloc (09022015). Collection method: clinical testing. Allele origin: germline.
Comment: In summary, the available evidence is currently insufficient to determine the role of this variant in disease. Therefore, it has been classified as a Variant of Uncertain Significance. Algorithms developed to predict the effect of missense changes on protein structure and function are either unavailable or do not agree on the potential impact of this missense change (SIFT: "Not Available"; PolyPhen-2: "Probably Damaging"; Align-GVGD: "Not Available"). This variant has not been reported in the literature in individuals affected with TMPRSS15-related conditions. This variant is not present in population databases (gnomAD no frequency). This sequence change replaces proline, which is neutral and non-polar, with threonine, which is neutral and polar, at codon 543 of the TMPRSS15 protein (p.Pro543Thr).

NM_002772.3(TMPRSS15):c.1627C>A (p.Pro543Thr)

Gene: TMPRSS15 (transmembrane serine protease 15; minus strand). Cytogenetic location: 21q21.1.
Variant type: single nucleotide variant.
Coding change: c.1627C>A on transcript NM_002772.3 (MANE Select); coding-DNA position 1627, C replaced by A.
Protein change: p.Pro543Thr; replaces proline 543 with threonine.
Molecular consequence: missense variant.
Genome position (GRCh38, 1-based): chr21:18,332,111, G>T on the plus strand (C>A on the coding strand, the complement: TMPRSS15 is on the minus strand). VCF-style: chr21-18332111-G-T. GRCh37 (hg19) VCF-style: chr21-19704428-G-T.
Other names: short protein forms P543T.
Identifiers: ClinVar variation 2014417 (VCV002014417.4), dbSNP rs2516670678, ClinGen allele CA409850164.
Genomic context (GRCh38, chr21:18,332,111, plus strand): 5'-TGTTTCTGATGACCTGGAAAAGAAATGACTCACAGAAAGCCAGATTAGGGTAGCTGTTTG[G>T]AAAGTTCGTAGAACTGAATGTTGTATTTGGCTCCCACAGCTCAAAAGGTCCTCCACAGTC-3'
Protein context (NP_002763.3, residues 533-553): PNTTFSSTNF[Pro543Thr]NSYPNLAFCV